The following is an entry in ClinVar:

ClinVar aggregate classification (germline): Pathogenic/Likely pathogenic. Review status: criteria provided, multiple submitters, no conflicts (2 of 4 stars). 2 submissions from 2 submitters: Pathogenic (1); Likely pathogenic (1). Last evaluated 2023-07-19.

Conditions:
Glycine encephalopathy 2 (GCE2). Identifiers: MedGen C5830559, MONDO:0958192, OMIM 620398.
Glycine encephalopathy. Also called: Nonketotic hyperglycinemia; Non-ketotic hyperglycinemia. Identifiers: Orphanet 407, MedGen C0751748, MONDO:0011612, HP:0008288.

Submissions (2):

Labcorp Genetics (formerly Invitae), Labcorp
Classification: Pathogenic for Glycine encephalopathy. Last evaluated: 2023-07-19. Review status: criteria provided, single submitter. Criteria: Invitae Variant Classification Sherloc (09022015). Collection method: clinical testing. Allele origin: germline.
Comment: This sequence change creates a premature translational stop signal (p.Met84Alafs*8) in the AMT gene. It is expected to result in an absent or disrupted protein product. Loss-of-function variants in AMT are known to be pathogenic (PMID: 16450403). This variant is not present in population databases (gnomAD no frequency). This variant has not been reported in the literature in individuals affected with AMT-related conditions. For these reasons, this variant has been classified as Pathogenic.

Genetics and Genomic Medicine Centre, NeuroGen Healthcare, NeuroGen Healthcare
Classification: Likely pathogenic for Glycine encephalopathy 2. Last evaluated: 2021-11-17. Review status: criteria provided, single submitter. Criteria: Submitter's publication. Collection method: clinical testing. Allele origin: unknown. Affected: no.

Literature cited by the submitters: PubMed 16450403 (cited by Labcorp Genetics (formerly Invitae), Labcorp).

NM_000481.4(AMT):c.250_251del (p.Met84fs)

Gene: AMT (aminomethyltransferase; minus strand). Cytogenetic location: 3p21.31.
Variant type: Microsatellite.
Coding change: c.250_251del on transcript NM_000481.4 (MANE Select); coding-DNA positions 250 to 251, 2 bases deleted (AT; older notation c.250_251delAT).
Protein change: p.Met84fs; shifts the reading frame from methionine 84.
Molecular consequence: frameshift variant. On other transcripts: non-coding transcript variant (1), intron variant (1).
Genome position (GRCh38, 1-based): chr3:49,422,111-49,422,112, AT deleted on the plus strand (AT on the coding strand, the reverse complement: AMT is on the minus strand); deleting any 2 consecutive bases within chr3:49,422,111-49,422,114 gives the same sequence; the c. name uses the placement nearest the transcript's 3' end. VCF-style (leftmost placement, unchanged base first): chr3-49422110-CAT-C. GRCh37 (hg19) VCF-style: chr3-49459543-CAT-C.
Other names: c.250_251del, p.Met84fs (NM_001164710.2, NM_001164712.2); c.90+249_90+250del (NM_001164711.2); short protein forms M84fs.
Identifiers: ClinVar variation 2975215 (VCV002975215.5), dbSNP rs2471160420, ClinGen allele CA2665729960.